The following is an entry in ClinVar:

NM_002875.5(RAD51):c.225+655C>G

Gene: RAD51 (RAD51 recombinase; plus strand). Cytogenetic location: 15q15.1.
Variant type: single nucleotide variant.
Coding change: c.225+655C>G on transcript NM_002875.5 (MANE Select); 655 bases into the intron after coding-DNA position 225, C replaced by G.
Molecular consequence: intron variant. On other transcripts: synonymous variant (2).
Genome position (GRCh38, 1-based): chr15:40,701,856, C>G. VCF-style: chr15-40701856-C-G. GRCh37 (hg19) VCF-style: chr15-40994054-C-G.
Other names: c.276C>G, p.Val92= (NM_001164269.2, NM_133487.4); c.225+655C>G (NM_001164270.2).
Identifiers: ClinVar variation 5039130 (VCV005039130.1).

ClinVar aggregate classification (germline): Likely benign (1 of 4 stars; one submission).

gnomAD v4.1: 3 of 350,478 alleles (0.00086%); highest among the groups gnomAD compares: Non-Finnish European, 0.00054%; no homozygotes.

Submission:

CeGaT Center for Human Genetics Tuebingen
Classification: Likely benign. Last evaluated: 2026-09-01. Review status: criteria provided, single submitter. Criteria: CeGaT Center For Human Genetics Tuebingen Variant Classification Criteria Version 2. Collection method: clinical testing. Allele origin: germline. Affected: yes. Observed: 1 variant allele.
Comment: RAD51: BP4, BP7